The following is an entry in ClinVar:

ClinVar aggregate classification (germline): Pathogenic/Likely pathogenic. Review status: criteria provided, multiple submitters, no conflicts (2 of 4 stars). 2 submissions from 2 submitters: Pathogenic (1); Likely pathogenic (1). Last evaluated 2022-03-18.

Conditions:
Catecholaminergic polymorphic ventricular tachycardia 1. Also called: RYR2-Related Catecholaminergic Polymorphic Ventricular Tachycardia; VENTRICULAR TACHYCARDIA, CATECHOLAMINERGIC POLYMORPHIC, 1, WITH OR WITHOUT ATRIAL DYSFUNCTION AND/OR DILATED CARDIOMYOPATHY; VENTRICULAR TACHYCARDIA, STRESS-INDUCED POLYMORPHIC 1. Identifiers: Orphanet 3286, MedGen C1631597, MONDO:0011484, OMIM 604772.

Submissions (2):

Labcorp Genetics (formerly Invitae), Labcorp
Classification: Likely pathogenic for Catecholaminergic polymorphic ventricular tachycardia 1. Last evaluated: 2022-03-18. Review status: criteria provided, single submitter. Criteria: Invitae Variant Classification Sherloc (09022015). Collection method: clinical testing. Allele origin: germline.
Comment: Advanced modeling of protein sequence and biophysical properties (such as structural, functional, and spatial information, amino acid conservation, physicochemical variation, residue mobility, and thermodynamic stability) performed at Invitae indicates that this missense variant is expected to disrupt RYR2 protein function. ClinVar contains an entry for this variant (Variation ID: 201280). This missense change has been observed in individual(s) with autosomal dominant RYR2-related conditions (PMID: 16436635, 30847666). This variant is not present in population databases (gnomAD no frequency). This sequence change replaces arginine, which is basic and polar, with leucine, which is neutral and non-polar, at codon 2401 of the RYR2 protein (p.Arg2401Leu). Experimental studies are conflicting or provide insufficient evidence to determine the effect of this variant on RYR2 function (PMID: 33825858). In summary, the currently available evidence indicates that the variant is pathogenic, but additional data are needed to prove that conclusively. Therefore, this variant has been classified as Likely Pathogenic. This variant disrupts the p.Arg2401 amino acid residue in RYR2. Other variant(s) that disrupt this residue have been determined to be pathogenic (PMID: 15749201, 20851825, 28100344, 30403697). This suggests that this residue is clinically significant, and that variants that disrupt this residue are likely to be disease-causing.

GeneDx
Classification: Pathogenic. Last evaluated: 2014-06-23. Review status: criteria provided, single submitter. Criteria: GeneDx Variant Classification (06012015). Collection method: clinical testing. Allele origin: germline. Affected: yes.
Comment: p.Arg2401Leu (CGC>CTC): c.7202 G>T in exon 47 of the RYR2 gene (NM_001035.2). The R2401L mutation in the RYR2 gene has been reported previously in one patient with exercise triggered death, and was not reported in 400 control alleles (Creighton W et al., 2006). The R2401L mutation was not observed in approximately 6,300 individuals of European and African American ancestry in the NHLBI Exome Sequencing Project, indicating it is not a common benign variant in these populations. In addition, the R2401L variant is a non-conservative amino acid substitution, which is likely to impact secondary protein structure as these residues differ in polarity, charge, size and/or other properties. This substitution occurs at a position that is completely conserved across species. Moreover, in silico analysis predicts this variant is probably damaging to the protein structure/function. Furthermore, a missense mutation in the same residue (R2401H) and missense mutations in nearby residues (A2394G, G2400V, C2402Y, A2403T) have been reported in association with CPVT, further supporting the functional importance of this residue and region of the protein. In summary, R2401L in the RYR2 gene is interpreted as a disease-causing mutation. The variant is found in POSTMORTEM panel(s).

Literature cited by the submitters: PubMed 16436635 (cited by Labcorp Genetics (formerly Invitae), Labcorp); PubMed 30847666 (cited by Labcorp Genetics (formerly Invitae), Labcorp); PubMed 33825858 (cited by Labcorp Genetics (formerly Invitae), Labcorp); PubMed 15749201 (cited by Labcorp Genetics (formerly Invitae), Labcorp); PubMed 20851825 (cited by Labcorp Genetics (formerly Invitae), Labcorp); PubMed 28100344 (cited by Labcorp Genetics (formerly Invitae), Labcorp); PubMed 30403697 (cited by Labcorp Genetics (formerly Invitae), Labcorp).

NM_001035.3(RYR2):c.7202G>T (p.Arg2401Leu)

Gene: RYR2 (ryanodine receptor 2; plus strand). Cytogenetic location: 1q43.
Variant type: single nucleotide variant.
Coding change: c.7202G>T on transcript NM_001035.3 (MANE Select); coding-DNA position 7202, G replaced by T.
Protein change: p.Arg2401Leu; replaces arginine 2401 with leucine.
Molecular consequence: missense variant.
Genome position (GRCh38, 1-based): chr1:237,640,983, G>T. VCF-style: chr1-237640983-G-T. GRCh37 (hg19) VCF-style: chr1-237804283-G-T.
Other names: p.R2401L:CGC>CTC; c.7202G>T, p.Arg2401Leu (LRG_402t1); short protein forms R2401L.
Identifiers: ClinVar variation 201280 (VCV000201280.12), dbSNP rs794728756, ClinGen allele CA010635.